The following is an entry in ClinVar:

NM_001384910.1(GUCA1A):c.546G>T (p.Arg182Ser)

Genes: GUCA1A (guanylate cyclase activator 1A; plus strand), GUCA1ANB-GUCA1A (GUCA1ANB-GUCA1A readthrough; plus strand). Cytogenetic location: 6p21.1.
Variant type: single nucleotide variant.
Coding change: c.546G>T on transcript NM_001384910.1 (MANE Select); coding-DNA position 546, G replaced by T.
Protein change: p.Arg182Ser; replaces arginine 182 with serine.
Molecular consequence: missense variant.
Genome position (GRCh38, 1-based): chr6:42,179,343, G>T. VCF-style: chr6-42179343-G-T. GRCh37 (hg19) VCF-style: chr6-42147081-G-T.
Other names: c.546G>T, p.Arg182Ser (NM_000409.5, NM_001319061.2, NM_001319062.2); short protein forms R182S.
Identifiers: ClinVar variation 1009983 (VCV001009983.9), dbSNP rs1164849731, ClinGen allele CA364110557.
Genomic context (GRCh38, chr6:42,179,343, plus strand): 5'-GGACCAGATGCTCCTGGACACACTGACACGAAGCCTGGACCTTACCCGCATCGTGCGCAG[G>T]CTCCAGAATGGCGAGCAAGACGAGGAGGGGGCTGACGAGGCCGCTGAGGCAGCCGGCTGA-3'
Protein context (NP_001371839.1, residues 172-192): RSLDLTRIVR[Arg182Ser]LQNGEQDEEG

ClinVar aggregate classification (germline): Uncertain significance. Review status: criteria provided, multiple submitters, no conflicts (2 of 4 stars). 2 submissions from 2 submitters: Uncertain significance (2). Last evaluated 2026-01-23.

Allele frequency attached by ClinVar (database versions not stated): gnomAD 0.00001; gnomAD exomes 0.00002.
gnomAD v4.1: 9 of 1,613,262 alleles (0.00056%); highest among the groups gnomAD compares: Admixed American, 0.012%; no homozygotes.

Submissions (2):

Labcorp Genetics (formerly Invitae), Labcorp
Classification: Uncertain significance. Last evaluated: 2026-01-23. Review status: criteria provided, single submitter. Criteria: Invitae Variant Classification Sherloc (09022015). Collection method: clinical testing. Allele origin: germline.
Comment: This sequence change replaces arginine, which is basic and polar, with serine, which is neutral and polar, at codon 182 of the GUCA1A protein (p.Arg182Ser). This variant is present in population databases (no rsID available, gnomAD 0.01%). This missense change has been observed in individual(s) with clinical features of GUCA1A-related conditions (internal data). ClinVar contains an entry for this variant (Variation ID: 1009983). An algorithm developed to predict the effect of missense changes on protein structure and function (PolyPhen-2) suggests that this variant is likely to be tolerated. In summary, the available evidence is currently insufficient to determine the role of this variant in disease. Therefore, it has been classified as a Variant of Uncertain Significance.

Blueprint Genetics
Classification: Uncertain significance. Last evaluated: 2022-08-10. Review status: criteria provided, single submitter. Criteria: ACMG Guidelines, 2015. Collection method: clinical testing. Allele origin: germline.